The following is an entry in ClinVar:

ClinVar aggregate classification (germline): Uncertain significance (1 of 4 stars; one submission).

Conditions:
Primary ciliary dyskinesia. Also called: Ciliary dyskinesia. Identifiers: Orphanet 244, MedGen C0008780, MONDO:0016575, HP:0012265.

Allele frequency attached by ClinVar (database versions not stated): gnomAD exomes below 0.00001; ExAC 0.00001.
gnomAD v4.1: 1 of 1,614,186 alleles (0.000062%); no homozygotes.

Submission:

Labcorp Genetics (formerly Invitae), Labcorp
Classification: Uncertain significance for Primary ciliary dyskinesia. Last evaluated: 2022-07-19. Review status: criteria provided, single submitter. Criteria: Invitae Variant Classification Sherloc (09022015). Collection method: clinical testing. Allele origin: germline.
Comment: In summary, the available evidence is currently insufficient to determine the role of this variant in disease. Therefore, it has been classified as a Variant of Uncertain Significance. Algorithms developed to predict the effect of missense changes on protein structure and function (SIFT, PolyPhen-2, Align-GVGD) all suggest that this variant is likely to be disruptive. This variant has not been reported in the literature in individuals affected with CCDC103-related conditions. This variant is present in population databases (rs780151272, gnomAD 0.004%). This sequence change replaces tryptophan, which is neutral and slightly polar, with glycine, which is neutral and non-polar, at codon 109 of the CCDC103 protein (p.Trp109Gly).

NM_213607.3(DNAAF19):c.325T>G (p.Trp109Gly)

Gene: DNAAF19 (dynein axonemal assembly factor 19; plus strand). Cytogenetic location: 17q21.31.
Variant type: single nucleotide variant.
Coding change: c.325T>G on transcript NM_213607.3 (MANE Select); coding-DNA position 325, T replaced by G.
Protein change: p.Trp109Gly; replaces tryptophan 109 with glycine.
Molecular consequence: missense variant. On other transcripts: 3 prime UTR variant (3).
Genome position (GRCh38, 1-based): chr17:44,902,413, T>G. VCF-style: chr17-44902413-T-G. GRCh37 (hg19) VCF-style: chr17-42979781-T-G.
Other names: c.325T>G, p.Trp109Gly (NM_001258395.2, NM_001258396.2); c.*75T>G (NM_001258397.3); c.*14T>G (NM_001258398.3, NM_001258399.2); short protein forms W109G.
Identifiers: ClinVar variation 1719127 (VCV001719127.5), dbSNP rs780151272, ClinGen allele CA8608350.
Genomic context (GRCh38, chr17:44,902,413, plus strand): 5'-TTTGTGGTCCAGGAGAAAGCCCCCCTCCAGCCCGAGACGTCTGCTGACTTCTATCGTGAT[T>G]GGCGACGACACTTGCCAAGTGGGCCAGAGCGCTACCAGGCTCTACTGCAGCTTGGGGGTC-3'
Protein context (NP_998772.1, residues 99-119): PETSADFYRD[Trp109Gly]RRHLPSGPER